The following is an entry in ClinVar:

ClinVar aggregate classification (germline): Likely benign. Review status: criteria provided, single submitter (1 of 4 stars). 2 submissions from 2 submitters: Likely benign (1). 1 of the submissions does not count toward it. Last evaluated 2023-08-23.

Conditions:
EXOSC9-related disorder. Also called: EXOSC9-related condition.

gnomAD v4.1: 7 of 1,614,044 alleles (0.00043%); highest among the groups gnomAD compares: South Asian, 0.0033%; no homozygotes.

Submissions (2):

Labcorp Genetics (formerly Invitae), Labcorp
Classification: Likely benign. Last evaluated: 2023-08-23. Review status: criteria provided, single submitter. Criteria: Invitae Variant Classification Sherloc (09022015). Collection method: clinical testing. Allele origin: germline.

PreventionGenetics, part of Exact Sciences
Classification: Likely benign for EXOSC9-related condition. Last evaluated: 2024-06-03. Review status: no assertion criteria provided. Collection method: clinical testing. Allele origin: germline. Not counted in ClinVar's aggregate classification.
Comment: This variant is classified as likely benign based on ACMG/AMP sequence variant interpretation guidelines (Richards et al. 2015 PMID: 25741868, with internal and published modifications).

NM_005033.3(EXOSC9):c.258C>T (p.Ala86=)

Gene: EXOSC9 (exosome component 9; plus strand). Cytogenetic location: 4q27.
Variant type: single nucleotide variant.
Coding change: c.258C>T on transcript NM_005033.3 (MANE Select); coding-DNA position 258, C replaced by T.
Protein change: p.Ala86=; no amino-acid change (alanine 86 retained).
Molecular consequence: synonymous variant.
Genome position (GRCh38, 1-based): chr4:121,802,770, C>T. VCF-style: chr4-121802770-C-T. GRCh37 (hg19) VCF-style: chr4-122723925-C-T.
Other names: c.258C>T, p.Ala86= (NM_001034194.2); c.258C>T (NM_001034194.1).
Identifiers: ClinVar variation 2998436 (VCV002998436.4), dbSNP rs748226216, ClinGen allele CA3063336.